The following is an entry in ClinVar:

ClinVar aggregate classification (germline): Uncertain significance (1 of 4 stars; one submission).

Conditions:
Charcot-Marie-Tooth disease axonal type 2P. Also called: Charcot-Marie-Tooth Neuropathy Type 2G; CHARCOT-MARIE-TOOTH NEUROPATHY, TYPE 2P; CHARCOT-MARIE-TOOTH DISEASE, AXONAL, TYPE 2G; CMT 2G. Identifiers: Orphanet 300319, Orphanet 99941, MedGen C3280797, MONDO:0013753, OMIM 614436.

Allele frequency attached by ClinVar (database versions not stated): gnomAD exomes below 0.00001; ExAC 0.00001.

Submission:

Labcorp Genetics (formerly Invitae), Labcorp
Classification: Uncertain significance for Charcot-Marie-Tooth disease axonal type 2P. Last evaluated: 2024-10-22. Review status: criteria provided, single submitter. Criteria: Invitae Variant Classification Sherloc (09022015). Collection method: clinical testing. Allele origin: germline.
Comment: This sequence change replaces glutamine, which is neutral and polar, with arginine, which is basic and polar, at codon 92 of the LRSAM1 protein (p.Gln92Arg). This variant is present in population databases (rs769569457, gnomAD 0.0009%). This variant has not been reported in the literature in individuals affected with LRSAM1-related conditions. ClinVar contains an entry for this variant (Variation ID: 1003928). Invitae Evidence Modeling of protein sequence and biophysical properties (such as structural, functional, and spatial information, amino acid conservation, physicochemical variation, residue mobility, and thermodynamic stability) indicates that this missense variant is not expected to disrupt LRSAM1 protein function with a negative predictive value of 80%. In summary, the available evidence is currently insufficient to determine the role of this variant in disease. Therefore, it has been classified as a Variant of Uncertain Significance.

NM_001005373.4(LRSAM1):c.275A>G (p.Gln92Arg)

Gene: LRSAM1 (leucine rich repeat and sterile alpha motif containing 1; plus strand). Cytogenetic location: 9q33.3.
Variant type: single nucleotide variant.
Coding change: c.275A>G on transcript NM_001005373.4 (MANE Select); coding-DNA position 275, A replaced by G.
Protein change: p.Gln92Arg; replaces glutamine 92 with arginine.
Molecular consequence: missense variant. On other transcripts: 5 prime UTR variant (1), non-coding transcript variant (2).
Genome position (GRCh38, 1-based): chr9:127,459,025, A>G. VCF-style: chr9-127459025-A-G. GRCh37 (hg19) VCF-style: chr9-130221304-A-G.
Other names: c.275A>G, p.Gln92Arg (NM_001005374.4, NM_001190723.3, NM_001384142.1 and 2 more transcripts); c.-510A>G (NM_001384144.1); short protein forms Q92R.
Identifiers: ClinVar variation 1003928 (VCV001003928.8), dbSNP rs769569457, ClinGen allele CA5246484.